The following is an entry in ClinVar:

NM_000051.4(ATM):c.42A>G (p.Gln14=)

Gene: ATM (ATM serine/threonine kinase; plus strand). Cytogenetic location: 11q22.3.
Variant type: single nucleotide variant.
Coding change: c.42A>G on transcript NM_000051.4 (MANE Select); coding-DNA position 42, A replaced by G.
Protein change: p.Gln14=; no amino-acid change (glutamine 14 retained).
Molecular consequence: synonymous variant.
Genome position (GRCh38, 1-based): chr11:108,227,666, A>G. VCF-style: chr11-108227666-A-G. GRCh37 (hg19) VCF-style: chr11-108098393-A-G.
Other names: c.42A>G, p.Gln14= (NM_001351834.2, NM_001351835.2, NM_001351836.2).
Identifiers: ClinVar variation 183841 (VCV000183841.22), dbSNP rs771378101, ClinGen allele CA186703.
Genomic context (GRCh38, chr11:108,227,666, plus strand): 5'-TGTTCTGAAATTGTGAACCATGAGTCTAGTACTTAATGATCTGCTTATCTGCTGCCGTCA[A>G]CTAGAACATGATAGAGCTACAGAACGAAAGGTAGTAAATTACTTAAATTCAATTTTTCCT-3'
Protein context (NP_000042.3, residues 4-24): VLNDLLICCR[Gln14=]LEHDRATERK

ClinVar aggregate classification (germline): Benign/Likely benign. Review status: criteria provided, multiple submitters, no conflicts (2 of 4 stars). 7 submissions from 7 submitters: Benign (1); Likely benign (6). Last evaluated 2026-02-03.

Conditions:
Hereditary cancer-predisposing syndrome. Also called: Tumor predisposition; Neoplastic Syndromes, Hereditary; Hereditary neoplastic syndrome; Hereditary Cancer Syndrome. Identifiers: Orphanet 140162, MedGen C0027672, MeSH D009386, MONDO:0015356.
Familial cancer of breast. Also called: BREAST CANCER, FAMILIAL; hereditary breast carcinoma; Hereditary breast cancer. Identifiers: Orphanet 227535, MedGen C0346153, MONDO:0016419, OMIM 114480. Disease mechanism: loss of function.
Ataxia-telangiectasia syndrome (AT). Also called: LOUIS-BAR SYNDROME; Ataxia-telangiectasia, complementation group D; AT, COMPLEMENTATION GROUP C; ATAXIA-TELANGIECTASIA, COMPLEMENTATION GROUP A; ATAXIA-TELANGIECTASIA, FRESNO VARIANT; Ataxia-telangiectasia. Identifiers: Orphanet 100, MedGen C0004135, MONDO:0008840, OMIM 208900.

Allele frequency attached by ClinVar (database versions not stated): gnomAD exomes below 0.00001 and 0.00001; ExAC 0.00001; gnomAD 0.00001; TOPMed 0.00006.
gnomAD v4.1: 10 of 1,613,758 alleles (0.00062%); highest among the groups gnomAD compares: African/African-American, 0.0013%; no homozygotes.

Submissions (7):

Labcorp Genetics (formerly Invitae), Labcorp
Classification: Likely benign for Ataxia-telangiectasia syndrome. Last evaluated: 2026-02-03. Review status: criteria provided, single submitter. Criteria: Invitae Variant Classification Sherloc (09022015). Collection method: clinical testing. Allele origin: germline.

Blueprint Genetics
Classification: Likely benign. Last evaluated: 2024-09-03. Review status: criteria provided, single submitter. Criteria: ACMG Guidelines, 2015. Collection method: clinical testing. Allele origin: germline.

Myriad Genetics, Inc.
Classification: Benign for Familial cancer of breast. Last evaluated: 2024-04-25. Review status: criteria provided, single submitter. Criteria: Myriad Autosomal Dominant, Autosomal Recessive and X-Linked Classification Criteria (2023). Collection method: clinical testing. Allele origin: unknown.
Comment: This variant is considered benign. This variant is a silent/synonymous amino acid change and it is not expected to impact splicing.

GeneDx
Classification: Likely benign. Last evaluated: 2020-08-22. Review status: criteria provided, single submitter. Criteria: GeneDx Variant Classification Process June 2021. Collection method: clinical testing. Allele origin: germline. Affected: yes.

Women's Health and Genetics/Laboratory Corporation of America, LabCorp
Classification: Likely benign. Last evaluated: 2020-03-15. Review status: criteria provided, single submitter. Criteria: LabCorp Variant Classification Summary - May 2015. Collection method: clinical testing. Allele origin: germline.

Color Diagnostics, LLC DBA Color Health
Classification: Likely benign for Hereditary cancer-predisposing syndrome. Last evaluated: 2016-08-18. Review status: criteria provided, single submitter. Criteria: ACMG Guidelines, 2015. Collection method: clinical testing. Allele origin: germline.

Ambry Genetics
Classification: Likely benign for Hereditary cancer-predisposing syndrome. Last evaluated: 2015-04-07. Review status: criteria provided, single submitter. Criteria: Ambry Variant Classification Scheme 2023. Collection method: clinical testing. Allele origin: germline.